The following is an entry in ClinVar:

ClinVar aggregate classification (germline): Uncertain significance (1 of 4 stars; one submission).

Conditions:
Myopathy, centronuclear, 2 (CNM2). Also called: MYOTUBULAR MYOPATHY, AUTOSOMAL RECESSIVE. Identifiers: Orphanet 169186, MedGen CN031787, MONDO:0009709, OMIM 255200.

Allele frequency attached by ClinVar (database versions not stated): gnomAD exomes below 0.00001.
gnomAD v4.1: 1 of 1,613,978 alleles (0.000062%); highest among the groups gnomAD compares: Non-Finnish European, 0.000085%; no homozygotes.

Submission:

Labcorp Genetics (formerly Invitae), Labcorp
Classification: Uncertain significance for Myopathy, centronuclear, 2. Last evaluated: 2019-12-08. Review status: criteria provided, single submitter. Criteria: Invitae Variant Classification Sherloc (09022015). Collection method: clinical testing. Allele origin: germline.
Comment: In summary, the available evidence is currently insufficient to determine the role of this variant in disease. Therefore, it has been classified as a Variant of Uncertain Significance. Algorithms developed to predict the effect of missense changes on protein structure and function (SIFT, PolyPhen-2, Align-GVGD) all suggest that this variant is likely to be tolerated, but these predictions have not been confirmed by published functional studies and their clinical significance is uncertain. This variant has not been reported in the literature in individuals with BIN1-related conditions. This variant is not present in population databases (ExAC no frequency). This sequence change replaces valine with alanine at codon 493 of the BIN1 protein (p.Val493Ala). The valine residue is moderately conserved and there is a small physicochemical difference between valine and alanine.

NM_139343.3(BIN1):c.1478T>C (p.Val493Ala)

Gene: BIN1 (bridging integrator 1; minus strand). Cytogenetic location: 2q14.3.
Variant type: single nucleotide variant.
Coding change: c.1478T>C on transcript NM_139343.3 (MANE Select); coding-DNA position 1478, T replaced by C.
Protein change: p.Val493Ala; replaces valine 493 with alanine.
Molecular consequence: missense variant.
Genome position (GRCh38, 1-based): chr2:127,050,896, A>G on the plus strand (T>C on the coding strand, the complement: BIN1 is on the minus strand). VCF-style: chr2-127050896-A-G. GRCh37 (hg19) VCF-style: chr2-127808472-A-G.
Other names: c.971T>C, p.Val324Ala (NM_001320632.2); c.1109T>C, p.Val370Ala (NM_001320633.2); c.854T>C, p.Val285Ala (NM_001320634.1); c.1238T>C, p.Val413Ala (NM_001320640.2); c.1385T>C, p.Val462Ala (NM_001320641.2); c.1397T>C, p.Val466Ala (NM_001320642.1); c.1061T>C, p.Val354Ala (NM_004305.4); c.1349T>C, p.Val450Ala (NM_139344.3); and 7 more; short protein forms V339A, V354A, V450A, V462A, V375A, V397A, V418A, V466A.
Identifiers: ClinVar variation 863711 (VCV000863711.9), dbSNP rs1682847067, ClinGen allele CA348374958.